The following is an entry in ClinVar:

NM_001405849.1(IL10RB):c.805-591T>G

Gene: IL10RB (interleukin 10 receptor subunit beta; plus strand). Cytogenetic location: 21q22.11.
Variant type: single nucleotide variant.
Coding change: c.805-591T>G on transcript NM_001405849.1; 591 bases into the intron before coding-DNA position 805, T replaced by G.
Molecular consequence: intron variant. On other transcripts: 3 prime UTR variant (1).
Genome position (GRCh38, 1-based): chr21:33,308,385, T>G. VCF-style: chr21-33308385-T-G. GRCh37 (hg19) VCF-style: chr21-34680690-T-G.
Other names: c.*63T>G (NM_001405850.1).
Identifiers: ClinVar variation 2688494 (VCV002688494.2), dbSNP rs1467370, ClinGen allele CA320115579.

ClinVar aggregate classification (germline): Benign (1 of 4 stars; one submission).

Allele frequency attached by ClinVar (database versions not stated): TOPMed 0.17163; 1000 Genomes Project 30x 0.22189; 1000 Genomes Project 0.22284.

Submission:

Unidad de Genómica Garrahan, Hospital de Pediatría Garrahan
Classification: Benign. Last evaluated: 2024-01-24. Review status: criteria provided, single submitter. Criteria: ACMG Guidelines, 2015. Collection method: clinical testing. Allele origin: germline. Affected: no. Observed: 20 variant alleles.
Comment: This variant is classified as Benign based on local population frequency. This variant was detected in 23% of patients studied by a panel of primary immunodeficiencies. Number of patients: 20. Only high quality variants are reported.